The following is an entry in ClinVar:

NM_002218.5(ITIH4):c.2723+7T>C

Gene: ITIH4 (inter-alpha-trypsin inhibitor heavy chain 4; minus strand). Cytogenetic location: 3p21.1.
Variant type: single nucleotide variant.
Coding change: c.2723+7T>C on transcript NM_002218.5 (MANE Select); 7 bases into the intron after coding-DNA position 2723, T replaced by C.
Molecular consequence: intron variant.
Genome position (GRCh38, 1-based): chr3:52,813,968, A>G on the plus strand (T>C on the coding strand, the complement: ITIH4 is on the minus strand). VCF-style: chr3-52813968-A-G. GRCh37 (hg19) VCF-style: chr3-52847984-A-G.
Other names: c.2633+7T>C (NM_001166449.2).
Identifiers: ClinVar variation 3060455 (VCV003060455.2), dbSNP rs2276811, ClinGen allele CA2448849.

ClinVar aggregate classification (germline): Benign (0 of 4 stars; one submission).

Conditions:
ITIH4-related disorder. Also called: ITIH4-related condition.

Allele frequency attached by ClinVar (database versions not stated): gnomAD exomes 0.01861; ExAC 0.04980; gnomAD 0.07108; ESP Exome Variant Server 0.07643; TOPMed 0.07654; 1000 Genomes Project 0.11042; 1000 Genomes Project 30x 0.11212.
gnomAD v4.1: 38,330 of 1,609,854 alleles (2.4%); highest among the groups gnomAD compares: African/African-American, 22%; 2,828 homozygotes.

Submission:

PreventionGenetics, part of Exact Sciences
Classification: Benign for ITIH4-related condition. Last evaluated: 2019-11-06. Review status: no assertion criteria provided. Collection method: clinical testing. Allele origin: germline.
Comment: This variant is classified as benign based on ACMG/AMP sequence variant interpretation guidelines (Richards et al. 2015 PMID: 25741868, with internal and published modifications).